The following is an entry in ClinVar:

NM_003872.3(NRP2):c.725C>T (p.Thr242Met)

Gene: NRP2 (neuropilin 2; plus strand). Cytogenetic location: 2q33.3.
Variant type: single nucleotide variant.
Coding change: c.725C>T on transcript NM_003872.3 (MANE Select); coding-DNA position 725, C replaced by T.
Protein change: p.Thr242Met; replaces threonine 242 with methionine.
Molecular consequence: missense variant.
Genome position (GRCh38, 1-based): chr2:205,723,845, C>T. VCF-style: chr2-205723845-C-T. GRCh37 (hg19) VCF-style: chr2-206588569-C-T.
Other names: c.725C>T, p.Thr242Met (NM_018534.4, NM_201264.2, NM_201266.2 and 2 more transcripts); short protein forms T242M.
Identifiers: ClinVar variation 2634339 (VCV002634339.4), dbSNP rs138033888, ClinGen allele CA2068892.

ClinVar aggregate classification (germline): Uncertain significance (1 of 4 stars; one submission).

Conditions:
NRP2-related disorder. Also called: NRP2-related condition.

Allele frequency attached by ClinVar (database versions not stated): ExAC 0.00049; TOPMed 0.00050; gnomAD 0.00061; 1000 Genomes Project 0.00080; ESP Exome Variant Server 0.00085; 1000 Genomes Project 30x 0.00094; gnomAD exomes 0.00116.
gnomAD v4.1: 1,806 of 1,614,172 alleles (0.11%); highest among the groups gnomAD compares: Non-Finnish European, 0.14%; 3 homozygotes.

Submission:

PreventionGenetics, part of Exact Sciences
Classification: Uncertain significance for NRP2-related condition. Last evaluated: 2026-08-25. Review status: criteria provided, single submitter. Criteria: ACMG Guidelines, 2015. Collection method: clinical testing. Allele origin: germline.
Comment: The NRP2 c.725C>T variant is predicted to result in the amino acid substitution p.Thr242Met. This variant has been reported in the heterozygous state in one patient with Kallmann syndrome (Macros et al. 2017. PubMed ID: 28334861). This variant is reported in 0.090% of alleles in individuals of European (Non-Finnish) descent in gnomAD, which may be too common to be a primary cause of disease. Although we suspect that this variant may be benign, at this time, the clinical significance of this variant is uncertain due to the absence of conclusive functional and genetic evidence.